The following is an entry in ClinVar:

ClinVar aggregate classification (germline): Likely benign. Review status: criteria provided, multiple submitters, no conflicts (2 of 4 stars). 4 submissions from 4 submitters: Likely benign (4). Last evaluated 2024-06-12.

Allele frequency attached by ClinVar (database versions not stated): TOPMed below 0.00001; gnomAD exomes 0.00001.
gnomAD v4.1: 18 of 1,613,826 alleles (0.0011%); highest among the groups gnomAD compares: Middle Eastern, 0.3%; 1 homozygote.

Submissions (4):

Blueprint Genetics
Classification: Likely benign. Last evaluated: 2024-06-12. Review status: criteria provided, single submitter. Criteria: ACMG Guidelines, 2015. Collection method: clinical testing. Allele origin: germline.

Labcorp Genetics (formerly Invitae), Labcorp
Classification: Likely benign. Last evaluated: 2023-01-16. Review status: criteria provided, single submitter. Criteria: Invitae Variant Classification Sherloc (09022015). Collection method: clinical testing. Allele origin: germline.

CeGaT Center for Human Genetics Tuebingen
Classification: Likely benign. Last evaluated: 2022-07-01. Review status: criteria provided, single submitter. Criteria: CeGaT Center For Human Genetics Tuebingen Variant Classification Criteria Version 2. Collection method: clinical testing. Allele origin: germline. Affected: yes. Observed: 1 variant allele.
Comment: FASTKD2: BP4, BP7

GeneDx
Classification: Likely benign. Last evaluated: 2019-04-18. Review status: criteria provided, single submitter. Criteria: GeneDx Variant Classification Process June 2021. Collection method: clinical testing. Allele origin: germline. Affected: yes.

NM_001136193.2(FASTKD2):c.66C>T (p.Gly22=)

Gene: FASTKD2 (FASTK mitochondrial RNA regulator 2; plus strand). Cytogenetic location: 2q33.3.
Variant type: single nucleotide variant.
Coding change: c.66C>T on transcript NM_001136193.2 (MANE Select); coding-DNA position 66, C replaced by T.
Protein change: p.Gly22=; no amino-acid change (glycine 22 retained).
Molecular consequence: synonymous variant.
Genome position (GRCh38, 1-based): chr2:206,766,759, C>T. VCF-style: chr2-206766759-C-T. GRCh37 (hg19) VCF-style: chr2-207631483-C-T.
Other names: c.66C>T, p.Gly22= (NM_001136194.2, NM_014929.4).
Identifiers: ClinVar variation 377852 (VCV000377852.36), dbSNP rs866874741, ClinGen allele CA16604107.
Genomic context (GRCh38, chr2:206,766,759, plus strand): 5'-GACAACTTTGAAGCCATTTGGAAGTGTTTCAGTGGAGAGCAAAATGAATAACAAAGCGGG[C>T]TCCTTTTTCTGGAACCTTAGACAATTCAGTACATTAGTTTCAACAAGCAGAACTATGAGG-3'
Protein context (NP_001129665.1, residues 12-32): SVESKMNNKA[Gly22=]SFFWNLRQFS